The following is an entry in ClinVar:

NM_014000.3(VCL):c.2649A>C (p.Glu883Asp)

Gene: VCL (vinculin; plus strand). Cytogenetic location: 10q22.2.
Variant type: single nucleotide variant.
Coding change: c.2649A>C on transcript NM_014000.3 (MANE Select); coding-DNA position 2649, A replaced by C.
Protein change: p.Glu883Asp; replaces glutamic acid 883 with aspartic acid.
Molecular consequence: missense variant.
Genome position (GRCh38, 1-based): chr10:74,109,060, A>C. VCF-style: chr10-74109060-A-C. GRCh37 (hg19) VCF-style: chr10-75868818-A-C.
Other names: c.2649A>C, p.Glu883Asp (NM_003373.4); short protein forms E883D.
Identifiers: ClinVar variation 408945 (VCV000408945.10), dbSNP rs752902180, ClinGen allele CA16612856.
Genomic context (GRCh38, chr10:74,109,060, plus strand): 5'-ACCTCTGCCTGAAGGTGAGGTCCCTCCACCTAGGCCTCCACCACCAGAGGAAAAGGATGA[A>C]GAGTTCCCTGAGCAGAAGGCCGGGGAGGTGATTAACCAGCCAATGATGATGGCTGCCAGA-3'
Protein context (NP_054706.1, residues 873-893): PRPPPPEEKD[Glu883Asp]EFPEQKAGEV

ClinVar aggregate classification (germline): Uncertain significance. Review status: criteria provided, multiple submitters, no conflicts (2 of 4 stars). 4 submissions from 4 submitters: Uncertain significance (3). 1 of the submissions does not count toward it. Last evaluated 2026-01-13.

Conditions:
Cardiovascular phenotype. Identifiers: MedGen CN230736.
VCL-related disorder. Also called: VCL-related condition.
Dilated cardiomyopathy 1W (CMD1W). Identifiers: Orphanet 154, MedGen C1969639, MONDO:0012667, OMIM 611407.
Hypertrophic cardiomyopathy 15. Identifiers: MedGen C2750459, MONDO:0013200, OMIM 613255.

Allele frequency attached by ClinVar (database versions not stated): gnomAD exomes 0.00002; TOPMed 0.00002; gnomAD 0.00006.
gnomAD v4.1: 40 of 1,614,028 alleles (0.0025%); highest among the groups gnomAD compares: Non-Finnish European, 0.0025%; no homozygotes.

Submissions (4):

Labcorp Genetics (formerly Invitae), Labcorp
Classification: Uncertain significance for Dilated cardiomyopathy 1W. Last evaluated: 2026-01-13. Review status: criteria provided, single submitter. Criteria: Invitae Variant Classification Sherloc (09022015). Collection method: clinical testing. Allele origin: germline.
Comment: This sequence change replaces glutamic acid, which is acidic and polar, with aspartic acid, which is acidic and polar, at codon 883 of the VCL protein (p.Glu883Asp). This variant is present in population databases (rs752902180, gnomAD 0.02%). This variant has not been reported in the literature in individuals affected with VCL-related conditions. ClinVar contains an entry for this variant (Variation ID: 408945). An algorithm developed to predict the effect of missense changes on protein structure and function (PolyPhen-2) suggests that this variant is likely to be disruptive. In summary, the available evidence is currently insufficient to determine the role of this variant in disease. Therefore, it has been classified as a Variant of Uncertain Significance.

Ambry Genetics
Classification: Uncertain significance for Cardiovascular phenotype. Last evaluated: 2023-09-24. Review status: criteria provided, single submitter. Criteria: Ambry Variant Classification Scheme 2023. Collection method: clinical testing. Allele origin: germline.
Comment: The p.E883D variant (also known as c.2649A>C), located in coding exon 18 of the VCL gene, results from an A to C substitution at nucleotide position 2649. The glutamic acid at codon 883 is replaced by aspartic acid, an amino acid with highly similar properties. This amino acid position is conserved. In addition, this alteration is predicted to be tolerated by in silico analysis. Since supporting evidence is limited at this time, the clinical significance of this alteration remains unclear.

Fulgent Genetics
Classification: Uncertain significance for Dilated cardiomyopathy 1W; Hypertrophic cardiomyopathy 15. Last evaluated: 2021-12-13. Review status: criteria provided, single submitter. Criteria: ACMG Guidelines, 2015. Collection method: clinical testing. Allele origin: unknown.

PreventionGenetics, part of Exact Sciences
Classification: Uncertain significance for VCL-related condition. Last evaluated: 2024-09-23. Review status: no assertion criteria provided. Collection method: clinical testing. Allele origin: germline. Not counted in ClinVar's aggregate classification.
Comment: The VCL c.2649A>C variant is predicted to result in the amino acid substitution p.Glu883Asp. To our knowledge, this variant has not been reported in the literature. This variant is reported in 0.016% of alleles in individuals of European (Finnish) descent in gnomAD. At this time, the clinical significance of this variant is uncertain due to the absence of conclusive functional and genetic evidence.